The following is an entry in ClinVar:

ClinVar aggregate classification (germline): Likely benign (1 of 4 stars; one submission).

Conditions:
Leigh syndrome (NULS). Also called: Leigh's necrotizing encephalopathy; Leigh's disease; Leigh Syndrome (mtDNA deletion); Leigh Disease; Subacute necrotizing encephalopathy; Necrotizing encephalopathy infantile subacute of Leigh. Identifiers: Orphanet 506, MedGen C2931891, MONDO:0009723, OMIM 256000.

Submission:

Wong Mito Lab, Molecular and Human Genetics, Baylor College of Medicine
Classification: Likely benign for Leigh syndrome. Last evaluated: 2019-10-17. Review status: criteria provided, single submitter. Criteria: Modified ACMG Guidelines (Unpublished). Collection method: clinical testing. Allele origin: germline.
Comment: The NC_012920.1:m.10326T>A (YP_003024033.1:p.Ser90Thr) variant in MTND3 gene is interpretated to be a Likely Benign variant based on the modified ACMG guidelines (unpublished). This variant meets the following evidence codes: BP4, BP6

NC_012920.1(MT-ND3):m.10326T>A

Gene: MT-ND3 (mitochondrially encoded NADH dehydrogenase 3; plus strand).
Variant type: single nucleotide variant.
Genome position: chrM-10326-T-A.
Identifiers: ClinVar variation 693279 (VCV000693279.1), dbSNP rs1603222777, ClinGen allele CA414805041.